The following is an entry in ClinVar:

ClinVar aggregate classification (germline): Uncertain significance. Review status: criteria provided, multiple submitters, no conflicts (2 of 4 stars). 4 submissions from 4 submitters: Uncertain significance (3). 1 of the submissions does not count toward it. Last evaluated 2025-01-12.

Conditions:
Hereditary cancer-predisposing syndrome. Also called: Neoplastic Syndromes, Hereditary; Hereditary Cancer Syndrome; Tumor predisposition; Hereditary neoplastic syndrome. Identifiers: Orphanet 140162, MedGen C0027672, MeSH D009386, MONDO:0015356.
Bloom syndrome (BLM). Also called: Bloom-Torre-Machacek syndrome. Identifiers: Orphanet 125, MedGen C0005859, MONDO:0008876, OMIM 210900.

Submissions (4):

Labcorp Genetics (formerly Invitae), Labcorp
Classification: Uncertain significance for Bloom syndrome. Last evaluated: 2025-01-12. Review status: criteria provided, single submitter. Criteria: Invitae Variant Classification Sherloc (09022015). Collection method: clinical testing. Allele origin: germline.
Comment: This sequence change replaces threonine, which is neutral and polar, with serine, which is neutral and polar, at codon 728 of the BLM protein (p.Thr728Ser). This variant is not present in population databases (gnomAD no frequency). This variant has not been reported in the literature in individuals affected with BLM-related conditions. ClinVar contains an entry for this variant (Variation ID: 582592). Invitae Evidence Modeling of protein sequence and biophysical properties (such as structural, functional, and spatial information, amino acid conservation, physicochemical variation, residue mobility, and thermodynamic stability) indicates that this missense variant is not expected to disrupt BLM protein function with a negative predictive value of 80%. In summary, the available evidence is currently insufficient to determine the role of this variant in disease. Therefore, it has been classified as a Variant of Uncertain Significance.

Fulgent Genetics
Classification: Uncertain significance for Bloom syndrome. Last evaluated: 2024-06-20. Review status: criteria provided, single submitter. Criteria: ACMG Guidelines, 2015. Collection method: clinical testing. Allele origin: germline.

Ambry Genetics
Classification: Uncertain significance for Hereditary cancer-predisposing syndrome. Last evaluated: 2023-08-23. Review status: criteria provided, single submitter. Criteria: Ambry Variant Classification Scheme 2023. Collection method: clinical testing. Allele origin: germline.
Comment: The p.T728S variant (also known as c.2183C>G), located in coding exon 8 of the BLM gene, results from a C to G substitution at nucleotide position 2183. The threonine at codon 728 is replaced by serine, an amino acid with similar properties. This amino acid position is well conserved in available vertebrate species. In addition, this alteration is predicted to be tolerated by in silico analysis. Since supporting evidence is limited at this time, the clinical significance of this alteration remains unclear.

Natera, Inc.
Classification: Uncertain significance for Bloom syndrome. Last evaluated: 2020-07-24. Review status: no assertion criteria provided. Collection method: clinical testing. Allele origin: germline. Not counted in ClinVar's aggregate classification.

NM_000057.4(BLM):c.2183C>G (p.Thr728Ser)

Gene: BLM (BLM RecQ like helicase; plus strand). Cytogenetic location: 15q26.1.
Variant type: single nucleotide variant.
Coding change: c.2183C>G on transcript NM_000057.4 (MANE Select); coding-DNA position 2183, C replaced by G.
Protein change: p.Thr728Ser; replaces threonine 728 with serine.
Molecular consequence: missense variant.
Genome position (GRCh38, 1-based): chr15:90,765,404, C>G. VCF-style: chr15-90765404-C-G. GRCh37 (hg19) VCF-style: chr15-91308634-C-G.
Other names: c.2183C>G (NM_000057.2); c.2183C>G, p.Thr728Ser (NM_001287246.2, NM_001287247.2); c.1058C>G, p.Thr353Ser (NM_001287248.2); short protein forms T728S, T353S.
Identifiers: ClinVar variation 582592 (VCV000582592.11), dbSNP rs1567043208, ClinGen allele CA393844732.